The following is an entry in ClinVar:

NM_001360.3(DHCR7):c.70G>T (p.Ala24Ser)

Gene: DHCR7 (7-dehydrocholesterol reductase; minus strand). Cytogenetic location: 11q13.4.
Variant type: single nucleotide variant.
Coding change: c.70G>T on transcript NM_001360.3 (MANE Select); coding-DNA position 70, G replaced by T.
Protein change: p.Ala24Ser; replaces alanine 24 with serine.
Molecular consequence: missense variant.
Genome position (GRCh38, 1-based): chr11:71,444,883, C>A on the plus strand (G>T on the coding strand, the complement: DHCR7 is on the minus strand). VCF-style: chr11-71444883-C-A. GRCh37 (hg19) VCF-style: chr11-71155929-C-A.
Other names: c.70G>T, p.Ala24Ser (NM_001163817.2); short protein forms A24S.
Identifiers: ClinVar variation 93723 (VCV000093723.62), dbSNP rs146867923, ClinGen allele CA147253.

ClinVar aggregate classification (germline): Conflicting classifications of pathogenicity. Review status: criteria provided, conflicting classifications (1 of 4 stars). 9 submissions from 9 submitters: Uncertain significance (1); Benign (1); Likely benign (5). 2 of the submissions do not count toward it. Last evaluated 2026-01-27.

Conditions:
DHCR7-related disorder. Also called: DHCR7-related condition.
Inborn genetic diseases. Identifiers: MedGen C0950123, MeSH D030342.
Smith-Lemli-Opitz syndrome (SLOS). Also called: POLYDACTYLY, SEX REVERSAL, RENAL HYPOPLASIA, AND UNILOBAR LUNG; LETHAL ACRODYSGENITAL SYNDROME; RSH SYNDROME; RUTLEDGE LETHAL MULTIPLE CONGENITAL ANOMALY SYNDROME; 7-Dehydrocholesterol reductase deficiency. Identifiers: Orphanet 818, MedGen C0175694, MONDO:0010035, OMIM 270400.

Allele frequency attached by ClinVar (database versions not stated): 1000 Genomes Project 0.00200; 1000 Genomes Project 30x 0.00250; TOPMed 0.00260; ESP Exome Variant Server 0.00285.

Submissions (9):

Labcorp Genetics (formerly Invitae), Labcorp
Classification: Likely benign for Smith-Lemli-Opitz syndrome. Last evaluated: 2026-01-27. Review status: criteria provided, single submitter. Criteria: Invitae Variant Classification Sherloc (09022015). Collection method: clinical testing. Allele origin: germline.

CeGaT Center for Human Genetics Tuebingen
Classification: Likely benign. Last evaluated: 2023-02-01. Review status: criteria provided, single submitter. Criteria: CeGaT Center For Human Genetics Tuebingen Variant Classification Criteria Version 2. Collection method: clinical testing. Allele origin: germline. Affected: yes. Observed: 1 variant allele.
Comment: DHCR7: BS2

Ambry Genetics
Classification: Likely benign for Inborn genetic diseases. Last evaluated: 2021-09-07. Review status: criteria provided, single submitter. Criteria: Ambry Variant Classification Scheme 2023. Collection method: clinical testing. Allele origin: germline.

GeneDx
Classification: Likely benign. Last evaluated: 2020-12-29. Review status: criteria provided, single submitter. Criteria: GeneDx Variant Classification Process June 2021. Collection method: clinical testing. Allele origin: germline. Affected: yes.
Comment: The majority of missense variants in this gene are considered pathogenic (Stenson et al., 2014); In silico analysis, which includes protein predictors and evolutionary conservation, supports that this variant does not alter protein structure/function; Has not been previously published as pathogenic or benign to our knowledge

Illumina Laboratory Services, Illumina
Classification: Uncertain significance for Smith-Lemli-Opitz syndrome. Last evaluated: 2017-04-28. Review status: criteria provided, single submitter. Criteria: ICSL Variant Classification Criteria 13 December 2019. Collection method: clinical testing. Allele origin: germline.

Genetic Services Laboratory, University of Chicago
Classification: Likely benign. Last evaluated: 2016-12-01. Review status: criteria provided, single submitter. Criteria: ACMG Guidelines, 2015. Collection method: clinical testing. Allele origin: germline. Affected: no.

Eurofins Ntd Llc (ga)
Classification: Benign. Last evaluated: 2013-03-18. Review status: criteria provided, single submitter. Criteria: EGL Classification Definitions 2015. Collection method: clinical testing. Allele origin: germline. Observed: 2 variant alleles, 2 heterozygotes.

PreventionGenetics, part of Exact Sciences
Classification: Likely benign for DHCR7-related condition. Last evaluated: 2020-07-20. Review status: no assertion criteria provided. Collection method: clinical testing. Allele origin: germline. Not counted in ClinVar's aggregate classification.
Comment: This variant is classified as likely benign based on ACMG/AMP sequence variant interpretation guidelines (Richards et al. 2015 PMID: 25741868, with internal and published modifications).

Natera, Inc.
Classification: Likely benign for Smith-Lemli-Opitz syndrome. Last evaluated: 2017-05-05. Review status: no assertion criteria provided. Collection method: clinical testing. Allele origin: germline. Not counted in ClinVar's aggregate classification.